The following is an entry in ClinVar:

ClinVar aggregate classification (germline): Benign. Review status: criteria provided, single submitter (1 of 4 stars). 2 submissions from 2 submitters: Benign (1). 1 of the submissions does not count toward it. Last evaluated 2022-05-04.

Conditions:
Ovarian neoplasm. Also called: Ovarian tumor; Neoplasm of ovary; Ovarian Neoplasms. Identifiers: MedGen C0919267, MeSH D010051, MONDO:0021068, HP:0100615.

Submissions (2):

Mendelics
Classification: Benign. Last evaluated: 2022-05-04. Review status: criteria provided, single submitter. Criteria: Mendelics Assertion Criteria 2019. Collection method: clinical testing. Allele origin: germline.

Department of Zoology Govt. MVM College
Classification: Likely pathogenic for Neoplasm of ovary. Review status: no assertion criteria provided. Collection method: not provided. Allele origin: unknown. Not counted in ClinVar's aggregate classification.
Comment: KM276960
ClinVar note: Converted during submission from probable-pathogenic to Likely pathogenic.

NC_012920.1(MT-CYB):m.15058C>T

Gene: MT-CYB (mitochondrially encoded cytochrome b; plus strand).
Variant type: single nucleotide variant.
Genome position: chrM-15058-C-T.
Identifiers: ClinVar variation 143874 (VCV000143874.3), dbSNP rs527236171, ClinGen allele CA170521.